The following is an entry in ClinVar:

ClinVar aggregate classification (germline): Uncertain significance (1 of 4 stars; one submission).

Allele frequency attached by ClinVar (database versions not stated): gnomAD exomes 0.00001.
gnomAD v4.1: 3 of 1,613,634 alleles (0.00019%); highest among the groups gnomAD compares: Non-Finnish European, 0.00025%; no homozygotes.

Submission:

GeneDx
Classification: Uncertain significance. Last evaluated: 2019-12-04. Review status: criteria provided, single submitter. Criteria: GeneDx Variant Classification Process June 2021. Collection method: clinical testing. Allele origin: germline. Affected: yes.
Comment: Not observed in large population cohorts (Lek et al., 2016); In silico analysis, which includes protein predictors and evolutionary conservation, supports a deleterious effect; Has not been previously published as pathogenic or benign to our knowledge

NM_030665.4(RAI1):c.1973G>T (p.Trp658Leu)

Gene: RAI1 (retinoic acid induced 1; plus strand). Cytogenetic location: 17p11.2.
Variant type: single nucleotide variant.
Coding change: c.1973G>T on transcript NM_030665.4 (MANE Select); coding-DNA position 1973, G replaced by T.
Protein change: p.Trp658Leu; replaces tryptophan 658 with leucine.
Molecular consequence: missense variant.
Genome position (GRCh38, 1-based): chr17:17,794,921, G>T. VCF-style: chr17-17794921-G-T. GRCh37 (hg19) VCF-style: chr17-17698235-G-T.
Other names: short protein forms W658L.
Identifiers: ClinVar variation 1310904 (VCV001310904.2), dbSNP rs2032173536, ClinGen allele CA398549639.
Genomic context (GRCh38, chr17:17,794,921, plus strand): 5'-AGCCACCCTTCTCGCTGGAGAACCACAGCGCCTGCCTGGACTCTGTGGCCAAGAGTGCGT[G>T]GCCCCGGCCTGGGGAGCCGGAGGCCCTGCCCGACTCCTTGCAGCTGGACAAGGGCGGCAA-3'
Protein context (NP_109590.3, residues 648-668): ACLDSVAKSA[Trp658Leu]PRPGEPEALP